The following is an entry in ClinVar:

ClinVar aggregate classification (germline): Conflicting classifications of pathogenicity. Review status: criteria provided, conflicting classifications (1 of 4 stars). 6 submissions from 6 submitters: Uncertain significance (1); Benign (1); Likely benign (2). 2 of the submissions do not count toward it. Last evaluated 2026-07-01.

Conditions:
Polycystic kidney disease. Also called: Polycystic kidney dysplasia; Kidney, Polycystic. Identifiers: MedGen C0022680, MeSH D007690, MONDO:0020642, HP:0000113.
Chronic kidney disease. Identifiers: MedGen C1561643, MONDO:0005300, HP:0012622.
PKD1-related disorder. Also called: PKD1-related condition.
Polycystic kidney disease, adult type (PKD1). Also called: POLYCYSTIC KIDNEY DISEASE 1 WITH OR WITHOUT POLYCYSTIC LIVER DISEASE; Polycystic Kidney, Autosomal Dominant; POLYCYSTIC KIDNEY DISEASE, ADULT, TYPE I; Polycystic Kidney Disease 1, Autosomal Dominant; Polycystic kidney disease 1; Polycystic kidney disease 1, severe. Identifiers: MedGen C3149841, MONDO:0008263, OMIM 173900.

Allele frequency attached by ClinVar (database versions not stated): ESP Exome Variant Server 0.00078; ExAC 0.00098; gnomAD 0.00175 and 0.00178; TOPMed 0.00181; 1000 Genomes Project 30x 0.00219; 1000 Genomes Project 0.00280.
gnomAD v4.1: 951 of 1,602,748 alleles (0.059%); highest among the groups gnomAD compares: African/African-American, 0.52%; 6 homozygotes.

Submissions (6):

CeGaT Center for Human Genetics Tuebingen
Classification: Likely benign. Last evaluated: 2026-07-01. Review status: criteria provided, single submitter. Criteria: CeGaT Center For Human Genetics Tuebingen Variant Classification Criteria Version 2. Collection method: clinical testing. Allele origin: germline. Affected: yes. Observed: 3 variant alleles.
Comment: PKD1: PM5, BS2

Mendelics
Classification: Benign for Polycystic kidney disease, adult type. Last evaluated: 2023-08-22. Review status: criteria provided, single submitter. Criteria: Mendelics Assertion Criteria 2019. Collection method: clinical testing. Allele origin: germline.

GeneDx
Classification: Likely benign. Last evaluated: 2021-01-19. Review status: criteria provided, single submitter. Criteria: GeneDx Variant Classification Process June 2021. Collection method: clinical testing. Allele origin: germline. Affected: yes.
Comment: This variant is associated with the following publications: (PMID: 32723786, 31157564, 20981092, 10987650, 26139440)

Cavalleri Lab, Royal College of Surgeons in Ireland
Classification: Uncertain significance for Chronic kidney disease. Last evaluated: 2020-05-28. Review status: criteria provided, single submitter. Criteria: ACMG Guidelines, 2015. Collection method: research. Allele origin: unknown. Inheritance: Autosomal dominant inheritance. Affected: yes.
Comment: PP3, PP5

PreventionGenetics, part of Exact Sciences
Classification: Likely benign for PKD1-related condition. Last evaluated: 2022-07-16. Review status: no assertion criteria provided. Collection method: clinical testing. Allele origin: germline. Not counted in ClinVar's aggregate classification.
Comment: This variant is classified as likely benign based on ACMG/AMP sequence variant interpretation guidelines (Richards et al. 2015 PMID: 25741868, with internal and published modifications).

Department of Pathology and Laboratory Medicine, Sinai Health System
Classification: Likely benign for Polycystic Kidney disease. Review status: no assertion criteria provided. Collection method: clinical testing. Allele origin: unknown. Affected: yes. Study: The Canadian Open Genetics Repository (COGR). Not counted in ClinVar's aggregate classification.
Comment: The PKD1 p.Arg4154Cys variant was identified in 5 of 1254 proband chromosomes (frequency: 0.004) from French, Tunisian and Italian individuals or families with ADPKD and not identified in 300 control chromosomes from healthy individuals (Audrezet_2015_26139440, Carrera_2016_27499327, Perrichot_1999_10987650). In segregation studies, the variant co-occurred with pathogenic PKD1 variants (c.7108T.A (PKD1) p.Cys2370Ser (PKD1)/c.5873G.A (PKD1) p.Trp1958X (PKD1)/c.6727_6730del (PKD1) p.Gln2243AlafsX6) inherited from the probandsâ€šÃ„Ã´ affected parents, while unaffected parents were shown to carry this variant; increasing the likelihood the variant has no clinical significance (Audrezet_2015_26139440). In another proband, the variant co-occurred with a likely pathogenic PKD1 variant (c.9361G> A p.Glu3121Lys) (Carrera_2016_27499327). The p.Arg4154Cys variant was also found in 1 probandâ€šÃ„Ã´s affected daughter, leading to the variant assessment of likely pathogenic; however, PKD1 was only partially screened, with exons 34 to 46 only being screened . (Perrichot_1999_10987650). The variant was also identified in dbSNP (ID: rs115538130) as â€šÃ„ÃºNAâ€šÃ„Ã¹, LOVD 3.0, ADPKD Mutation Database (classified likely pathogenic, based on Perrichot et al. (1999)), and was not identified in ClinVar, Clinvitae, COGR, and PKD1-LOVD. The variant was identified in control databases in 269 (6 homozygous) of 265106 chromosomes at a frequency of 0.001 increasing the likelihood this could be a low frequency benign variant (Genome Aggregation Database Feb 27, 2017). Observations by population include African in 127 (2 homozygous) of 23396 chromosomes (freq: 0.005), â€šÃ„ÃºOtherâ€šÃ„Ã¹ in 2 of 6220 chromosomes (freq: 0.0003), Latino in 29 (1 homozygous) of 33684 chromosomes (freq: 0.000861), European Non-Finnish in 32 of 119926 chromosomes (freq: 0.0003), East Asian in 8 of 18612 chromosomes (freq: 0.0004), and South Asian in 71 (3 homozygous) of 29734 chromosomes (freq: 0.002); it was \not observed in the Ashkenazi Jewish and European Finnish populations. The p.Arg4154 residue is conserved across mammals and other organisms, and computational analyses (PolyPhen-2, SIFT, AlignGVGD, BLOSUM, MutationTaster) suggest that the variant Cys may impact the protein; however, this information is not predictive enough to assume pathogenicity. The variant occurs outside of the splicing consensus sequence and 1 of 5 in silico or computational prediction software programs (SpliceSiteFinder, MaxEntScan, NNSPLICE, GeneSplicer, HumanSpliceFinder) predict a greater than 10% difference in splicing; this is not very predictive of pathogenicity. In summary, based on the above information the clinical significance of this variant cannot be determined with certainty at this time although we would lean towards a more benign role for this variant. This variant is classified as likely benign.

NM_001009944.3(PKD1):c.12460C>T (p.Arg4154Cys)

Gene: PKD1 (polycystin 1, transient receptor potential channel interacting; minus strand). Cytogenetic location: 16p13.3.
Variant type: single nucleotide variant.
Coding change: c.12460C>T on transcript NM_001009944.3 (MANE Select); coding-DNA position 12460, C replaced by T.
Protein change: p.Arg4154Cys; replaces arginine 4154 with cysteine.
Molecular consequence: missense variant.
Genome position (GRCh38, 1-based): chr16:2,090,179, G>A on the plus strand (C>T on the coding strand, the complement: PKD1 is on the minus strand). VCF-style: chr16-2090179-G-A. GRCh37 (hg19) VCF-style: chr16-2140180-G-A.
Other names: c.12457C>T, p.Arg4153Cys (NM_000296.4); c.12460C>T (NM_001009944.2); short protein forms R4154C, R4153C.
Identifiers: ClinVar variation 803159 (VCV000803159.23), dbSNP rs115538130, ClinGen allele CA7828586.
Genomic context (GRCh38, chr16:2,090,179, plus strand): 5'-CCGGGGATACCTTGGAGCCCCTGGAGGAGCGAGAGGGCAGCGGCTCCATCCCTTCAAAGC[G>A]GACTTTGTGGCGGAACTGGGGGCGGCACAGGGGCTCAGTCAGTCCGGCTGCACCCTGGGC-3'
Protein context (NP_001009944.3, residues 4144-4164): SKVKEFRHKV[Arg4154Cys]FEGMEPLPSR